The following is an entry in ClinVar:

ClinVar aggregate classification (germline): Benign/Likely benign. Review status: criteria provided, multiple submitters, no conflicts (2 of 4 stars). 8 submissions from 8 submitters: Benign (1); Likely benign (5). 2 of the submissions do not count toward it. Last evaluated 2026-02-01.

Conditions:
Meckel syndrome, type 6. Identifiers: Orphanet 564, MedGen C2676790, MONDO:0012848, OMIM 612284.
Joubert syndrome 9 (JBTS9). Identifiers: Orphanet 2318, MedGen C2676788, MONDO:0012849, OMIM 612285.
COACH syndrome 2. Identifiers: MedGen C5436837, MONDO:0030859, OMIM 619111.
Retinitis pigmentosa 93. Identifiers: MedGen C5676970, MONDO:0030797, OMIM 619845.
CC2D2A-related disorder. Also called: CC2D2A-related disorders; CC2D2A-related condition. Identifiers: MedGen CN239313.
Meckel-Gruber syndrome. Also called: DYSENCEPHALIA SPLANCHNOCYSTICA; GRUBER SYNDROME; Dysencephalia splachnocystica. Identifiers: Orphanet 564, MedGen C0265215, MONDO:0018921.
Joubert syndrome. Also called: Familial aplasia of the vermis; JOUBERT-BOLTSHAUSER SYNDROME. Identifiers: Orphanet 475, MedGen C5979921, MONDO:0018772.

Allele frequency attached by ClinVar (database versions not stated): gnomAD exomes 0.00030; ESP Exome Variant Server 0.00056; ExAC 0.00064; TOPMed 0.00084; gnomAD 0.00124; 1000 Genomes Project 30x 0.00172; 1000 Genomes Project 0.00180.
gnomAD v4.1: 316 of 1,530,014 alleles (0.021%); highest among the groups gnomAD compares: African/African-American, 0.34%; no homozygotes.

Submissions (8):

Labcorp Genetics (formerly Invitae), Labcorp
Classification: Likely benign for Joubert syndrome; Meckel-Gruber syndrome. Last evaluated: 2026-02-01. Review status: criteria provided, single submitter. Criteria: Invitae Variant Classification Sherloc (09022015). Collection method: clinical testing. Allele origin: germline.

Mayo Clinic Laboratories, Mayo Clinic
Classification: Likely benign. Last evaluated: 2025-09-24. Review status: criteria provided, single submitter. Criteria: ACMG Guidelines, 2015. Collection method: clinical testing. Allele origin: germline. Observed: 1 variant allele.
Comment: BS1, BP4, BP7

Blueprint Genetics
Classification: Likely benign. Last evaluated: 2024-10-09. Review status: criteria provided, single submitter. Criteria: ACMG Guidelines, 2015. Collection method: clinical testing. Allele origin: germline.

Fulgent Genetics
Classification: Likely benign for Meckel syndrome, type 6; Joubert syndrome 9; COACH syndrome 2; Retinitis pigmentosa 93. Last evaluated: 2022-05-20. Review status: criteria provided, single submitter. Criteria: ACMG Guidelines, 2015. Collection method: clinical testing. Allele origin: unknown.

GeneDx
Classification: Likely benign. Last evaluated: 2018-03-27. Review status: criteria provided, single submitter. Criteria: GeneDx Variant Classification (06012015). Collection method: clinical testing. Allele origin: germline. Affected: yes.
Comment: This variant is considered likely benign or benign based on one or more of the following criteria: it is a conservative change, it occurs at a poorly conserved position in the protein, it is predicted to be benign by multiple in silico algorithms, and/or has population frequency not consistent with disease.

Eurofins Ntd Llc (ga)
Classification: Benign. Last evaluated: 2017-09-20. Review status: criteria provided, single submitter. Criteria: EGL Classification Definitions 2015. Collection method: clinical testing. Allele origin: germline. Observed: 2 variant alleles, 2 heterozygotes.

Genetic Services Laboratory, University of Chicago
Classification: Likely benign. Last evaluated: 2022-08-22. Review status: no assertion criteria provided. Collection method: clinical testing. Allele origin: germline. Affected: no. Not counted in ClinVar's aggregate classification.

PreventionGenetics, part of Exact Sciences
Classification: Likely benign for CC2D2A-related condition. Last evaluated: 2019-09-05. Review status: no assertion criteria provided. Collection method: clinical testing. Allele origin: germline. Not counted in ClinVar's aggregate classification.
Comment: This variant is classified as likely benign based on ACMG/AMP sequence variant interpretation guidelines (Richards et al. 2015 PMID: 25741868, with internal and published modifications).

NM_001378615.1(CC2D2A):c.2181+7A>C

Genes: CC2D2A (coiled-coil and C2 domain containing 2A; plus strand), FBXL5 (F-box and leucine rich repeat protein 5; minus strand). Cytogenetic location: 4p15.32.
Variant type: single nucleotide variant.
Coding change: c.2181+7A>C on transcript NM_001378615.1 (MANE Select); 7 bases into the intron after coding-DNA position 2181, A replaced by C.
Molecular consequence: intron variant.
Genome position (GRCh38, 1-based): chr4:15,541,021, A>C. VCF-style: chr4-15541021-A-C. GRCh37 (hg19) VCF-style: chr4-15542644-A-C.
Other names: p.?; c.2181+7A>C (NM_001080522.2); c.2034+7A>C (NM_001378617.1).
Identifiers: ClinVar variation 194818 (VCV000194818.22), dbSNP rs143681243, ClinGen allele CA241004.
Genomic context (GRCh38, chr4:15,541,021, plus strand): 5'-GGGCAGATTTTCAATTTGCAAATAGTCAACTGGCCGGAGAGTTTAACACTTCAGGTACAC[A>C]TTTTAATTATAGTTACTGGCCGGGCACTGTGGCTCATGCCTGTACTTTGGGAGGCCAAGG-3'